The following is an entry in ClinVar:

ClinVar aggregate classification (germline): Pathogenic (1 of 4 stars; one submission).

Conditions:
Fanconi anemia (FA). Also called: Fanconi's anemia. Identifiers: Orphanet 84, MedGen C0015625, MeSH D005199, MONDO:0019391.

Submission:

Labcorp Genetics (formerly Invitae), Labcorp
Classification: Pathogenic for Fanconi anemia. Last evaluated: 2023-11-30. Review status: criteria provided, single submitter. Criteria: Invitae Variant Classification Sherloc (09022015). Collection method: clinical testing. Allele origin: unknown.
Comment: This variant is a gross deletion of the genomic region encompassing exon(s) 5-9 of the FANCI gene. This deletion is out-of-frame, and is expected to create a premature termination codon and result in an absent or disrupted protein product. Loss-of-function variants in FANCI are known to be pathogenic (PMID: 17452773, 17460694). This variant has not been reported in the literature in individuals affected with FANCI-related conditions. For these reasons, this variant has been classified as Pathogenic.

Literature cited by the submitters: PubMed 17452773; PubMed 17460694.

NC_000015.9:g.(?_89804796)_(89807858_?)del

Gene: FANCI (FA complementation group I; plus strand). Cytogenetic location: 15q26.1.
Variant type: Deletion.
Identifiers: ClinVar variation 3243707 (VCV003243707.1).